The following is an entry in ClinVar:

ClinVar aggregate classification (germline): Likely benign (0 of 4 stars; one submission).

Conditions:
SEMA3D-related disorder. Also called: SEMA3D-related condition.

gnomAD v4.1: 31 of 1,605,482 alleles (0.0019%); highest among the groups gnomAD compares: Admixed American, 0.042%; 2 homozygotes.

Submission:

PreventionGenetics, part of Exact Sciences
Classification: Likely benign for SEMA3D-related condition. Last evaluated: 2023-05-16. Review status: no assertion criteria provided. Collection method: clinical testing. Allele origin: germline.
Comment: This variant is classified as likely benign based on ACMG/AMP sequence variant interpretation guidelines (Richards et al. 2015 PMID: 25741868, with internal and published modifications).

NM_001384900.1(SEMA3D):c.1768+6T>C

Gene: SEMA3D (semaphorin 3D; minus strand). Cytogenetic location: 7q21.11.
Variant type: single nucleotide variant.
Coding change: c.1768+6T>C on transcript NM_001384900.1 (MANE Select); 6 bases into the intron after coding-DNA position 1768, T replaced by C.
Molecular consequence: intron variant.
Genome position (GRCh38, 1-based): chr7:85,012,776, A>G on the plus strand (T>C on the coding strand, the complement: SEMA3D is on the minus strand). VCF-style: chr7-85012776-A-G. GRCh37 (hg19) VCF-style: chr7-84642092-A-G.
Other names: c.1768+6T>C (NM_001384901.1, NM_001384903.1, NM_001384902.1 and 1 more transcripts).
Identifiers: ClinVar variation 3357748 (VCV003357748.1).